The following is an entry in ClinVar:

ClinVar aggregate classification (germline): Likely pathogenic (1 of 4 stars; one submission).

Conditions:
Primary ciliary dyskinesia 3. Identifiers: Orphanet 244, MedGen C1837618, MONDO:0012085, OMIM 608644.

Allele frequency attached by ClinVar (database versions not stated): gnomAD exomes below 0.00001.
gnomAD v4.1: 1 of 1,605,266 alleles (0.000062%); highest among the groups gnomAD compares: South Asian, 0.0011%; no homozygotes.

Submission:

Myriad Genetics, Inc.
Classification: Likely pathogenic for Primary ciliary dyskinesia 3. Last evaluated: 2021-12-17. Review status: criteria provided, single submitter. Criteria: Myriad Women's Health Autosomal Recessive and X-Linked Classification Criteria (2021). Collection method: clinical testing. Allele origin: unknown.
Comment: NM_001369.2(DNAH5):c.4304C>A(S1435*) is expected to be pathogenic in the context of DNAH5-related primary ciliary dyskinesia. This variant is predicted to lead to an abnormal or absent protein product due to the creation of a premature termination codon in DNAH5, a gene where loss-of-function variants are known to be pathogenic. Please note: this variant was assessed in the context of healthy population screening.

NM_001369.3(DNAH5):c.4304C>A (p.Ser1435Ter)

Genes: DNAH5 (dynein axonemal heavy chain 5; minus strand), DNAH5-AS1 (DNAH5 antisense RNA 1; plus strand). Cytogenetic location: 5p15.2.
Variant type: single nucleotide variant.
Coding change: c.4304C>A on transcript NM_001369.3 (MANE Select); coding-DNA position 4304, C replaced by A.
Protein change: p.Ser1435Ter; replaces serine 1435 with a stop codon.
Molecular consequence: nonsense.
Genome position (GRCh38, 1-based): chr5:13,865,719, G>T on the plus strand (C>A on the coding strand, the complement: DNAH5 is on the minus strand). VCF-style: chr5-13865719-G-T. GRCh37 (hg19) VCF-style: chr5-13865828-G-T.
Other names: short protein forms S1435*.
Identifiers: ClinVar variation 1726435 (VCV001726435.2), dbSNP rs2546982546, ClinGen allele CA359224673.